The following is an entry in ClinVar:

NM_002878.4(RAD51D):c.872G>A (p.Arg291His)

Genes: RAD51L3-RFFL (RAD51L3-RFFL readthrough; minus strand), RAD51D (RAD51 paralog D; minus strand). Cytogenetic location: 17q12.
Variant type: single nucleotide variant.
Coding change: c.872G>A on transcript NM_002878.4 (MANE Select); coding-DNA position 872, G replaced by A.
Protein change: p.Arg291His; replaces arginine 291 with histidine.
Molecular consequence: missense variant. On other transcripts: non-coding transcript variant (3).
Genome position (GRCh38, 1-based): chr17:35,101,232, C>T on the plus strand (G>A on the coding strand, the complement: RAD51D is on the minus strand). VCF-style: chr17-35101232-C-T. GRCh37 (hg19) VCF-style: chr17-33428251-C-T.
Other names: p.R291H:CGC>CAC; c.932G>A, p.Arg311His (NM_001142571.2); c.536G>A, p.Arg179His (NM_133629.3); c.932G>A (NM_001142571.1); short protein forms R291H, R311H, R179H.
Identifiers: ClinVar variation 182865 (VCV000182865.45), dbSNP rs150134822, ClinGen allele CA299951.

ClinVar aggregate classification (germline): Uncertain significance. Review status: criteria provided, multiple submitters, no conflicts (2 of 4 stars). 14 submissions from 14 submitters: Uncertain significance (13). 1 of the submissions does not count toward it. Last evaluated 2026-09-14.

Conditions:
RAD51D-related disorder. Also called: RAD51D-related condition.
Hereditary cancer-predisposing syndrome. Also called: Neoplastic Syndromes, Hereditary; Tumor predisposition; Hereditary neoplastic syndrome; Hereditary Cancer Syndrome. Identifiers: Orphanet 140162, MedGen C0027672, MeSH D009386, MONDO:0015356.
Breast-ovarian cancer, familial, susceptibility to, 4. Identifiers: Orphanet 145, MedGen C3280345, MONDO:0013669, OMIM 614291.

Allele frequency attached by ClinVar (database versions not stated): gnomAD 0.00002; gnomAD exomes 0.00003; ExAC 0.00004; ESP Exome Variant Server 0.00008.

Submissions 1 to 12 of 14:

PreventionGenetics, part of Exact Sciences
Classification: Uncertain significance for RAD51D-related condition. Last evaluated: 2026-09-14. Review status: criteria provided, single submitter. Criteria: ACMG Guidelines, 2015. Collection method: clinical testing. Allele origin: germline.
Comment: The RAD51D c.872G>A variant is predicted to result in the amino acid substitution p.Arg291His. This variant has been reported in individuals with breast and/or ovarian cancer and in controls (Song et al. 2015, Table A4. PubMed ID: 26261251; Supp. Table 4, Loveday et al. 2011. PubMed ID: 21822267) and in an individual with pancreatic cancer (Supp. Table 1, Lerner-Ellis et al. 2020. PubMed ID: 32885271). This variant is reported in 0.0098% of alleles in individuals of South Asian descent in gnomAD and has been interpreted as variant of uncertain significance in the ClinVar database (Variation ID: 182865). At this time, the clinical significance of this variant is uncertain due to the absence of conclusive functional and genetic evidence.

Women's Health and Genetics/Laboratory Corporation of America, LabCorp
Classification: Uncertain significance. Last evaluated: 2026-05-05. Review status: criteria provided, single submitter. Criteria: LabCorp Variant Classification Summary - May 2015. Collection method: clinical testing. Allele origin: germline.
Comment: Variant summary: RAD51D c.872G>A (p.Arg291His) results in a non-conservative amino acid change in the encoded protein sequence. Algorithms developed to predict the effect of missense changes on protein structure and function are either unavailable or do not agree on the potential impact of this missense change. The variant allele was found at a frequency of 3.9e-05 in 259072 control chromosomes. This frequency is not significantly higher than estimated for disease-causing variants in RAD51D, allowing no conclusion about variant significance. c.872G>A has been observed in individuals affected with breast/ovarian cancer and also in unaffected controls (Song_2015, Loveday_2011). These reports do not provide unequivocal conclusions about association of the variant with Hereditary Breast And Ovarian Cancer Syndrome. To our knowledge, no experimental evidence demonstrating an impact on protein function has been reported. The following publications have been ascertained in the context of this evaluation (PMID: 21822267, 26261251). ClinVar contains an entry for this variant (Variation ID: 182865). Based on the evidence outlined above, the variant was classified as uncertain significance.

Labcorp Genetics (formerly Invitae), Labcorp
Classification: Uncertain significance for Breast-ovarian cancer, familial, susceptibility to, 4. Last evaluated: 2026-02-02. Review status: criteria provided, single submitter. Criteria: Invitae Variant Classification Sherloc (09022015). Collection method: clinical testing. Allele origin: germline.
Comment: This sequence change replaces arginine, which is basic and polar, with histidine, which is basic and polar, at codon 291 of the RAD51D protein (p.Arg291His). This variant is present in population databases (rs150134822, gnomAD 0.01%). This missense change has been observed in individual(s) with breast or ovarian cancer (PMID: 21822267). ClinVar contains an entry for this variant (Variation ID: 182865). Invitae Evidence Modeling of protein sequence and biophysical properties (such as structural, functional, and spatial information, amino acid conservation, physicochemical variation, residue mobility, and thermodynamic stability) indicates that this missense variant is not expected to disrupt RAD51D protein function with a negative predictive value of 80%. In summary, the available evidence is currently insufficient to determine the role of this variant in disease. Therefore, it has been classified as a Variant of Uncertain Significance.

Center for Genomic Medicine, Rigshospitalet, Copenhagen University Hospital
Classification: Uncertain significance. Last evaluated: 2025-12-29. Review status: criteria provided, single submitter. Criteria: ACMG Guidelines, 2015. Collection method: clinical testing. Allele origin: germline.

Praxis Für Humangenetik, Biosciencia MVZ Labor Saar
Classification: Uncertain significance for Hereditary cancer-predisposing syndrome. Last evaluated: 2025-12-09. Review status: criteria provided, single submitter. Criteria: ACMG Guidelines, 2015. Collection method: clinical testing. Allele origin: germline.

Ambry Genetics
Classification: Uncertain significance for Hereditary cancer-predisposing syndrome. Last evaluated: 2025-03-03. Review status: criteria provided, single submitter. Criteria: Ambry Variant Classification Scheme 2023. Collection method: clinical testing. Allele origin: germline.
Comment: The p.R291H variant (also known as c.872G>A), located in coding exon 9 of the RAD51D gene, results from a G to A substitution at nucleotide position 872. The arginine at codon 291 is replaced by histidine, an amino acid with highly similar properties. In one case-control study, this alteration was identified in 1/2772 unaffected controls and was not identified in 3429 females with invasive epithelial ovarian cancer (Song H et al. J. Clin. Oncol. 2015 Sep;33:2901-7). Another case-control study identified this variant in 1/1822 breast and/or ovarian cancer cases and in 1/2120 controls (Loveday C et al. Nat Genet 2011 Aug;43(9):879-882). This variant was also observed in 1/3251 individuals who met eligibility criteria for hereditary breast and ovarian cancer syndrome (Lerner-Ellis J et al. J Cancer Res Clin Oncol, 2021 Mar;147:871-879). This amino acid position is well conserved in available vertebrate species. In addition, this alteration is predicted to be tolerated by in silico analysis. Based on the available evidence, the clinical significance of this variant remains unclear.

Quest Diagnostics Nichols Institute San Juan Capistrano
Classification: Uncertain significance. Last evaluated: 2024-07-02. Review status: criteria provided, single submitter. Criteria: Quest Diagnostics criteria. Collection method: clinical testing. Allele origin: unknown.
Comment: The RAD51D c.872G>A (p.Arg291His) variant has been reported in the published literature in an individual with breast and/or ovarian cancer (PMID: 21822267 (2011)), an individual with pancreatic cancer (PMID: 32885271 (2021)), and in reportedly healthy individuals (PMID: 26261251 (2015), 21822267 (2011)). The frequency of this variant in the general population, 0.000098 (3/30616 chromosomes (Genome Aggregation Database)), is uninformative in the assessment of its pathogenicity. Analysis of this variant using bioinformatics tools for the prediction of the effect of amino acid changes on protein structure and function yielded predictions that this variant is benign. Based on the available information, we are unable to determine the clinical significance of this variant.

GeneDx
Classification: Uncertain significance. Last evaluated: 2024-05-14. Review status: criteria provided, single submitter. Criteria: GeneDx Variant Classification Process June 2021. Collection method: clinical testing. Allele origin: germline. Affected: yes.
Comment: In silico analysis supports that this missense variant does not alter protein structure/function; This variant is associated with the following publications: (PMID: 26261251, 21822267, 21111057, 14704354, 19327148, 32885271)

Color Diagnostics, LLC DBA Color Health
Classification: Uncertain significance for Hereditary cancer-predisposing syndrome. Last evaluated: 2023-11-07. Review status: criteria provided, single submitter. Criteria: ACMG Guidelines, 2015. Collection method: clinical testing. Allele origin: germline.
Comment: This missense variant replaces arginine with histidine at codon 291 of the RAD51D protein. Computational prediction suggests that this variant may not impact protein structure and function. To our knowledge, functional studies have not been reported for this variant. This variant has been observed in one individual each affected with breast or ovarian cancer (PMID: 21822267) and pancreatic cancer (PMID: 32885271) and in unaffected individuals (PMID: 21822267, 26261251). This variant also has been detected in a breast cancer case-control meta-analysis in 11/60466 cases and 9/53461 unaffected individuals (PMID: 33471991; Leiden Open Variation Database DB-ID RAD51D_000073). This variant has been identified in 8/251408 chromosomes in the general population by the Genome Aggregation Database (gnomAD). The available evidence is insufficient to determine the role of this variant in disease conclusively. Therefore, this variant is classified as a Variant of Uncertain Significance.

Baylor Genetics
Classification: Uncertain significance for Breast-ovarian cancer, familial, susceptibility to, 4. Last evaluated: 2023-09-18. Review status: criteria provided, single submitter. Criteria: ACMG Guidelines, 2015. Collection method: clinical testing. Allele origin: unknown.

Institute for Clinical Genetics, University Hospital TU Dresden, University Hospital TU Dresden
Classification: Uncertain significance. Last evaluated: 2021-11-03. Review status: criteria provided, single submitter. Criteria: ACMG Guidelines, 2015. Collection method: clinical testing. Allele origin: germline.

Genetics and Molecular Pathology, SA Pathology
Classification: Uncertain significance for Breast-ovarian cancer, familial, susceptibility to, 4. Last evaluated: 2020-08-17. Review status: criteria provided, single submitter. Criteria: ACMG Guidelines, 2015. Collection method: clinical testing. Allele origin: germline. Affected: no.